The following is an entry in ClinVar:

NM_015662.3(IFT172):c.763G>A (p.Val255Ile)

Gene: IFT172 (intraflagellar transport 172; minus strand). Cytogenetic location: 2p23.3.
Variant type: single nucleotide variant.
Coding change: c.763G>A on transcript NM_015662.3 (MANE Select); coding-DNA position 763, G replaced by A.
Protein change: p.Val255Ile; replaces valine 255 with isoleucine.
Molecular consequence: missense variant.
Genome position (GRCh38, 1-based): chr2:27,481,068, C>T on the plus strand (G>A on the coding strand, the complement: IFT172 is on the minus strand). VCF-style: chr2-27481068-C-T. GRCh37 (hg19) VCF-style: chr2-27703935-C-T.
Other names: c.763G>A (NM_015662.2); short protein forms V255I.
Identifiers: ClinVar variation 1373047 (VCV001373047.7), dbSNP rs2148549986, ClinGen allele CA346398100.

ClinVar aggregate classification (germline): Uncertain significance. Review status: criteria provided, multiple submitters, no conflicts (2 of 4 stars). 2 submissions from 2 submitters: Uncertain significance (2). Last evaluated 2025-07-23.

Conditions:
Retinitis pigmentosa 71 (RP71). Identifiers: Orphanet 791, MedGen C4225342, MONDO:0014618, OMIM 616394.
Short-rib thoracic dysplasia 10 with or without polydactyly (SRTD10). Identifiers: Orphanet 474, MedGen C3810175, MONDO:0014284, OMIM 615630.
IFT172-related disorder. Also called: IFT172-related disorders; IFT172-related condition.

Submissions (2):

PreventionGenetics, part of Exact Sciences
Classification: Uncertain significance for IFT172-related condition. Last evaluated: 2025-07-23. Review status: criteria provided, single submitter. Criteria: ACMG Guidelines, 2015. Collection method: clinical testing. Allele origin: germline.
Comment: The IFT172 c.763G>A variant is predicted to result in the amino acid substitution p.Val255Ile. To our knowledge, this variant has not been reported in the literature or in a large population database (gnomAD), indicating this variant is rare. At this time, the clinical significance of this variant is uncertain due to the absence of conclusive functional and genetic evidence.

Labcorp Genetics (formerly Invitae), Labcorp
Classification: Uncertain significance for Retinitis pigmentosa 71; Short-rib thoracic dysplasia 10 with or without polydactyly. Last evaluated: 2022-08-10. Review status: criteria provided, single submitter. Criteria: Invitae Variant Classification Sherloc (09022015). Collection method: clinical testing. Allele origin: germline.
Comment: ClinVar contains an entry for this variant (Variation ID: 1373047). This variant has not been reported in the literature in individuals affected with IFT172-related conditions. This variant is not present in population databases (gnomAD no frequency). This sequence change replaces valine, which is neutral and non-polar, with isoleucine, which is neutral and non-polar, at codon 255 of the IFT172 protein (p.Val255Ile). Algorithms developed to predict the effect of missense changes on protein structure and function are either unavailable or do not agree on the potential impact of this missense change (SIFT: "Deleterious"; PolyPhen-2: "Benign"; Align-GVGD: "Class C0"). In summary, the available evidence is currently insufficient to determine the role of this variant in disease. Therefore, it has been classified as a Variant of Uncertain Significance.